The following is an entry in ClinVar:

ClinVar aggregate classification (germline): Uncertain significance (1 of 4 stars; one submission).

Conditions:
Inborn genetic diseases. Identifiers: MedGen C0950123, MeSH D030342.

Allele frequency attached by ClinVar (database versions not stated): gnomAD exomes below 0.00001.
gnomAD v4.1: 3 of 1,613,394 alleles (0.00019%); highest among the groups gnomAD compares: Non-Finnish European, 0.00025%; no homozygotes.

Submission:

Ambry Genetics
Classification: Uncertain significance for Inborn genetic diseases. Last evaluated: 2018-02-21. Review status: criteria provided, single submitter. Criteria: Ambry Variant Classification Scheme 2023. Collection method: clinical testing. Allele origin: germline.
Comment: The c.7615-4G>A intronic variant results from a G to A substitution 4 nucleotides upstream from coding exon 38 in the DYNC1H1 gene. This nucleotide position is not well conserved in available vertebrate species. Using the BDGP and ESEfinder splice site prediction tools, this alteration is not predicted to have any significant effect on this splice acceptor site; however, direct evidence is unavailable. Since supporting evidence is limited at this time, the clinical significance of this alteration remains unclear.

NM_001376.5(DYNC1H1):c.7615-4G>A

Gene: DYNC1H1 (dynein cytoplasmic 1 heavy chain 1; plus strand). Cytogenetic location: 14q32.31.
Variant type: single nucleotide variant.
Coding change: c.7615-4G>A on transcript NM_001376.5 (MANE Select); 4 bases into the intron before coding-DNA position 7615, G replaced by A.
Molecular consequence: intron variant.
Genome position (GRCh38, 1-based): chr14:102,016,762, G>A. VCF-style: chr14-102016762-G-A. GRCh37 (hg19) VCF-style: chr14-102483099-G-A.
Identifiers: ClinVar variation 1759816 (VCV001759816.2), dbSNP rs2503771507, ClinGen allele CA2580088547.